The following is an entry in ClinVar:

ClinVar aggregate classification (germline): Uncertain significance (1 of 4 stars; one submission).

Submission:

GeneDx
Classification: Uncertain significance. Last evaluated: 2022-10-10. Review status: criteria provided, single submitter. Criteria: GeneDx Variant Classification Process June 2021. Collection method: clinical testing. Allele origin: germline. Affected: yes.
Comment: Not observed at significant frequency in large population cohorts (gnomAD); In silico analysis supports that this missense variant has a deleterious effect on protein structure/function; Has not been previously published as pathogenic or benign to our knowledge

NM_003482.4(KMT2D):c.11332C>G (p.Pro3778Ala)

Gene: KMT2D (lysine methyltransferase 2D; minus strand). Cytogenetic location: 12q13.12.
Variant type: single nucleotide variant.
Coding change: c.11332C>G on transcript NM_003482.4 (MANE Select); coding-DNA position 11332, C replaced by G.
Protein change: p.Pro3778Ala; replaces proline 3778 with alanine.
Molecular consequence: missense variant.
Genome position (GRCh38, 1-based): chr12:49,033,373, G>C on the plus strand (C>G on the coding strand, the complement: KMT2D is on the minus strand). VCF-style: chr12-49033373-G-C. GRCh37 (hg19) VCF-style: chr12-49427156-G-C.
Other names: short protein forms P3778A.
Identifiers: ClinVar variation 2497958 (VCV002497958.1), dbSNP rs2120442247, ClinGen allele CA384719756.
Genomic context (GRCh38, chr12:49,033,373, plus strand): 5'-GCCCCTGGGGTGGTTGAGGGGACAGCTGCTGGACCAGGAGGCCTTGGTGGCTGCTGGGAG[G>C]CATAAGGCCCTGGGGCTTGGGACCCAGAGCTTGGTTTGTCTGTACTCCAGGACCCTGCTG-3'
Protein context (NP_003473.3, residues 3768-3788): ALGPKPQGLM[Pro3778Ala]PSSHQGLLVQ